The following is an entry in ClinVar:

ClinVar aggregate classification (germline): Benign (1 of 4 stars; one submission).

Allele frequency attached by ClinVar (database versions not stated): gnomAD exomes 0.01943; 1000 Genomes Project 0.02436; 1000 Genomes Project 30x 0.02514; gnomAD 0.03194 and 0.03361; TOPMed 0.03551.
gnomAD v4.1: 11,927 of 512,654 alleles (2.3%); highest among the groups gnomAD compares: African/African-American, 6.7%; 209 homozygotes.

Submission:

GeneDx
Classification: Benign. Last evaluated: 2018-06-14. Review status: criteria provided, single submitter. Criteria: GeneDx Variant Classification (06012015). Collection method: clinical testing. Allele origin: germline. Affected: yes.
Comment: This variant is considered likely benign or benign based on one or more of the following criteria: it is a conservative change, it occurs at a poorly conserved position in the protein, it is predicted to be benign by multiple in silico algorithms, and/or has population frequency not consistent with disease.

NM_006073.4(TRDN):c.391+140T>C

Gene: TRDN (triadin; minus strand). Cytogenetic location: 6q22.31.
Variant type: single nucleotide variant.
Coding change: c.391+140T>C on transcript NM_006073.4 (MANE Select); 140 bases into the intron after coding-DNA position 391, T replaced by C.
Molecular consequence: intron variant.
Genome position (GRCh38, 1-based): chr6:123,548,314, A>G on the plus strand (T>C on the coding strand, the complement: TRDN is on the minus strand). VCF-style: chr6-123548314-A-G. GRCh37 (hg19) VCF-style: chr6-123869459-A-G.
Other names: c.391+140T>C (NM_001251987.2, NM_001256020.2, NM_001256021.2 and 1 more transcripts).
Identifiers: ClinVar variation 674867 (VCV000674867.1), dbSNP rs7744159, ClinGen allele CA147297215.